The following is an entry in ClinVar:

ClinVar aggregate classification (germline): Uncertain significance. Review status: criteria provided, multiple submitters, no conflicts (2 of 4 stars). 2 submissions from 2 submitters: Uncertain significance (2). Last evaluated 2025-09-26.

Conditions:
Cardiomyopathy (CMYO). Also called: Cardiomyopathies. Identifiers: Orphanet 167848, MedGen C0878544, MONDO:0004994, HP:0001638. Inheritance: Various modes of inheritance.
Hypertrophic cardiomyopathy 10. Also called: MYL2-Related Familial Hypertrophic Cardiomyopathy; CARDIOMYOPATHY, HYPERTROPHIC, MID-LEFT VENTRICULAR CHAMBER TYPE, 2. Identifiers: MedGen C1834460, MONDO:0012112, OMIM 608758.

Allele frequency attached by ClinVar (database versions not stated): gnomAD 0.00001.

Submissions (2):

Labcorp Genetics (formerly Invitae), Labcorp
Classification: Uncertain significance for Hypertrophic cardiomyopathy 10. Last evaluated: 2025-09-26. Review status: criteria provided, single submitter. Criteria: Invitae Variant Classification Sherloc (09022015). Collection method: clinical testing. Allele origin: germline.
Comment: This sequence change replaces alanine, which is neutral and non-polar, with aspartic acid, which is acidic and polar, at codon 141 of the MYL2 protein (p.Ala141Asp). This variant is not present in population databases (gnomAD no frequency). This variant has not been reported in the literature in individuals affected with MYL2-related conditions. ClinVar contains an entry for this variant (Variation ID: 942919). An algorithm developed to predict the effect of missense changes on protein structure and function (PolyPhen-2) suggests that this variant is likely to be disruptive. In summary, the available evidence is currently insufficient to determine the role of this variant in disease. Therefore, it has been classified as a Variant of Uncertain Significance.

Color Diagnostics, LLC DBA Color Health
Classification: Uncertain significance for Cardiomyopathy. Last evaluated: 2024-03-06. Review status: criteria provided, single submitter. Criteria: ACMG Guidelines, 2015. Collection method: clinical testing. Allele origin: germline.
Comment: This missense variant replaces alanine with aspartic acid at codon 141 of the MYL2 protein. Computational prediction is inconclusive regarding the impact of this variant on protein structure and function (internally defined REVEL score threshold 0.5 < inconclusive < 0.7, PMID: 27666373). To our knowledge, functional studies have not been reported for this variant. This variant has not been reported in individuals affected with cardiovascular disorders in the literature. This variant has not been identified in the general population by the Genome Aggregation Database (gnomAD). The available evidence is insufficient to determine the role of this variant in disease conclusively. Therefore, this variant is classified as a Variant of Uncertain Significance.

NM_000432.4(MYL2):c.422C>A (p.Ala141Asp)

Gene: MYL2 (myosin light chain 2; minus strand). Cytogenetic location: 12q24.11.
Variant type: single nucleotide variant.
Coding change: c.422C>A on transcript NM_000432.4 (MANE Select); coding-DNA position 422, C replaced by A.
Protein change: p.Ala141Asp; replaces alanine 141 with aspartic acid.
Molecular consequence: missense variant.
Genome position (GRCh38, 1-based): chr12:110,911,156, G>T on the plus strand (C>A on the coding strand, the complement: MYL2 is on the minus strand). VCF-style: chr12-110911156-G-T. GRCh37 (hg19) VCF-style: chr12-111348960-G-T.
Other names: short protein forms A141D.
Identifiers: ClinVar variation 942919 (VCV000942919.13), dbSNP rs1024307408, ClinGen allele CA243560488.